The following is an entry in ClinVar:

ClinVar aggregate classification (germline): Uncertain significance. Review status: criteria provided, multiple submitters, no conflicts (2 of 4 stars). 2 submissions from 2 submitters: Uncertain significance (2). Last evaluated 2023-07-16.

Conditions:
Hereditary cancer-predisposing syndrome. Also called: Tumor predisposition; Hereditary Cancer Syndrome; Hereditary neoplastic syndrome; Neoplastic Syndromes, Hereditary. Identifiers: Orphanet 140162, MedGen C0027672, MeSH D009386, MONDO:0015356.
Multiple endocrine neoplasia, type 2 (MEN2). Identifiers: Orphanet 653, MedGen C4048306, MONDO:0019003. Disease mechanism: gain of function.

gnomAD v4.1: 2 of 1,606,592 alleles (0.00012%); highest among the groups gnomAD compares: Non-Finnish European, 0.00017%; no homozygotes.

Submissions (2):

Labcorp Genetics (formerly Invitae), Labcorp
Classification: Uncertain significance for Multiple endocrine neoplasia, type 2. Last evaluated: 2023-07-16. Review status: criteria provided, single submitter. Criteria: Invitae Variant Classification Sherloc (09022015). Collection method: clinical testing. Allele origin: germline.
Comment: In summary, the available evidence is currently insufficient to determine the role of this variant in disease. Therefore, it has been classified as a Variant of Uncertain Significance. An algorithm developed to predict the effect of missense changes on protein structure and function (PolyPhen-2) suggests that this variant is likely to be disruptive. This variant has not been reported in the literature in individuals affected with RET-related conditions. This variant is not present in population databases (gnomAD no frequency). This sequence change replaces leucine, which is neutral and non-polar, with arginine, which is basic and polar, at codon 629 of the RET protein (p.Leu629Arg).

Ambry Genetics
Classification: Uncertain significance for Hereditary cancer-predisposing syndrome. Last evaluated: 2023-06-18. Review status: criteria provided, single submitter. Criteria: Ambry Variant Classification Scheme 2023. Collection method: clinical testing. Allele origin: germline.
Comment: The p.L629R variant (also known as c.1886T>G), located in coding exon 11 of the RET gene, results from a T to G substitution at nucleotide position 1886. The leucine at codon 629 is replaced by arginine, an amino acid with dissimilar properties. This amino acid position is conserved. In addition, the in silico prediction for this alteration is inconclusive. Since supporting evidence is limited at this time, the clinical significance of this alteration remains unclear.

NM_020975.6(RET):c.1886T>G (p.Leu629Arg)

Gene: RET (ret proto-oncogene; plus strand). Cytogenetic location: 10q11.21.
Variant type: single nucleotide variant.
Coding change: c.1886T>G on transcript NM_020975.6 (MANE Select); coding-DNA position 1886, T replaced by G.
Protein change: p.Leu629Arg; replaces leucine 629 with arginine.
Molecular consequence: missense variant. On other transcripts: intron variant (4).
Genome position (GRCh38, 1-based): chr10:43,114,486, T>G. VCF-style: chr10-43114486-T-G. GRCh37 (hg19) VCF-style: chr10-43609934-T-G.
Other names: c.1886T>G, p.Leu629Arg (NM_000323.2, NM_001406743.1, NM_001406744.1 and 4 more transcripts); c.1124T>G, p.Leu375Arg (NM_001355216.2); c.1757T>G, p.Leu586Arg (NM_001406761.1, NM_001406762.1, NM_001406764.1); c.1598T>G, p.Leu533Arg (NM_001406766.1, NM_001406767.1, NM_001406770.1); c.1490T>G, p.Leu497Arg (NM_001406769.1, NM_001406772.1); c.1448T>G, p.Leu483Arg (NM_001406771.1, NM_001406773.1); c.1361T>G, p.Leu454Arg (NM_001406774.1); c.1160T>G, p.Leu387Arg (NM_001406775.1, NM_001406776.1, NM_001406777.1 and 1 more transcripts); and 10 more; short protein forms L387R, L629R, L146R, L194R, L287R, L483R, L497R, L330R.
Identifiers: ClinVar variation 2618861 (VCV002618861.5), dbSNP rs1838016977, ClinGen allele CA376552893.
Genomic context (GRCh38, chr10:43,114,486, plus strand): 5'-CCAGTGGTGCCGAGCCTCTGGCGGTGCCAAGCCTCACACCACCCCCACCCACAGATCCAC[T>G]GTGCGACGAGCTGTGCCGCACGGTGATCGCAGCCGCTGTCCTCTTCTCCTTCATCGTCTC-3'
Protein context (NP_066124.1, residues 619-639): FCEPEDIQDP[Leu629Arg]CDELCRTVIA